The following is an entry in ClinVar:

ClinVar aggregate classification (germline): Likely pathogenic (1 of 4 stars; one submission).

Allele frequency attached by ClinVar (database versions not stated): TOPMed 0.00001.

Submission:

GeneDx
Classification: Likely pathogenic. Last evaluated: 2020-11-05. Review status: criteria provided, single submitter. Criteria: GeneDx Variant Classification Process June 2021. Collection method: clinical testing. Allele origin: germline. Affected: yes.
Comment: Nonsense variant predicted to result in protein truncation or nonsense mediated decay in a gene for which loss-of-function is a known mechanism of disease; Not observed in large population cohorts (Lek et al., 2016); Has not been previously published as pathogenic or benign to our knowledge

NM_025207.5(FLAD1):c.708C>A (p.Cys236Ter)

Gene: FLAD1 (flavin adenine dinucleotide synthetase 1; plus strand). Cytogenetic location: 1q21.3.
Variant type: single nucleotide variant.
Coding change: c.708C>A on transcript NM_025207.5 (MANE Select); coding-DNA position 708, C replaced by A.
Protein change: p.Cys236Ter; replaces cysteine 236 with a stop codon.
Molecular consequence: nonsense.
Genome position (GRCh38, 1-based): chr1:154,988,440, C>A. VCF-style: chr1-154988440-C-A. GRCh37 (hg19) VCF-style: chr1-154960916-C-A.
Other names: c.417C>A, p.Cys139Ter (NM_201398.3, NM_001184891.2); c.411C>A, p.Cys137Ter (NM_001184892.2); short protein forms C137*, C139*, C236*.
Identifiers: ClinVar variation 1185711 (VCV001185711.2), dbSNP rs1657717722, ClinGen allele CA342745448.